The following is an entry in ClinVar:

NM_177550.5(SLC13A5):c.313C>T (p.Leu105=)

Gene: SLC13A5 (solute carrier family 13 member 5; minus strand). Cytogenetic location: 17p13.1.
Variant type: single nucleotide variant.
Coding change: c.313C>T on transcript NM_177550.5 (MANE Select); coding-DNA position 313, C replaced by T.
Protein change: p.Leu105=; no amino-acid change (leucine 105 retained).
Molecular consequence: synonymous variant.
Genome position (GRCh38, 1-based): chr17:6,706,697, G>A on the plus strand (C>T on the coding strand, the complement: SLC13A5 is on the minus strand). VCF-style: chr17-6706697-G-A. GRCh37 (hg19) VCF-style: chr17-6610016-G-A.
Other names: c.313C>T, p.Leu105= (NM_001143838.3, NM_001284509.2); c.184C>T, p.Leu62= (NM_001284510.2).
Identifiers: ClinVar variation 1602273 (VCV001602273.22), dbSNP rs765334582, ClinGen allele CA8331780.

ClinVar aggregate classification (germline): Likely benign. Review status: criteria provided, multiple submitters, no conflicts (2 of 4 stars). 2 submissions from 2 submitters: Likely benign (2). Last evaluated 2024-11-01.

Conditions:
Developmental and epileptic encephalopathy, 25 (DEE25). Also called: Developmental and epileptic encephalopathy 25, with amelogenesis imperfecta; Epileptic encephalopathy, early infantile, 25, with amelogenesis imperfecta; Epileptic encephalopathy, early infantile, 25. Identifiers: Orphanet 442835, MedGen C4014621, MONDO:0014392, OMIM 615905.

Allele frequency attached by ClinVar (database versions not stated): gnomAD exomes 0.00001 and 0.00002; ExAC 0.00003.
gnomAD v4.1: 7 of 1,614,048 alleles (0.00043%); highest among the groups gnomAD compares: South Asian, 0.0066%; no homozygotes.

Submissions (2):

CeGaT Center for Human Genetics Tuebingen
Classification: Likely benign. Last evaluated: 2024-11-01. Review status: criteria provided, single submitter. Criteria: CeGaT Center For Human Genetics Tuebingen Variant Classification Criteria Version 2. Collection method: clinical testing. Allele origin: germline. Affected: yes. Observed: 1 variant allele.
Comment: SLC13A5: BP4, BP7

Labcorp Genetics (formerly Invitae), Labcorp
Classification: Likely benign for Developmental and epileptic encephalopathy, 25. Last evaluated: 2024-02-24. Review status: criteria provided, single submitter. Criteria: Invitae Variant Classification Sherloc (09022015). Collection method: clinical testing. Allele origin: germline.